The following is an entry in ClinVar:

NM_001903.5(CTNNA1):c.1388A>T (p.Gln463Leu)

Gene: CTNNA1 (catenin alpha 1; plus strand). Cytogenetic location: 5q31.2.
Variant type: single nucleotide variant.
Coding change: c.1388A>T on transcript NM_001903.5 (MANE Select); coding-DNA position 1388, A replaced by T.
Protein change: p.Gln463Leu; replaces glutamine 463 with leucine.
Molecular consequence: missense variant. On other transcripts: 5 prime UTR variant (4), intron variant (3).
Genome position (GRCh38, 1-based): chr5:138,904,440, A>T. VCF-style: chr5-138904440-A-T. GRCh37 (hg19) VCF-style: chr5-138240129-A-T.
Other names: c.278A>T, p.Gln93Leu (NM_001323989.1, NM_001323990.1, NM_001323991.1 and 17 more transcripts); c.-120A>T (NM_001324009.1, NM_001324006.1, NM_001324007.1 and 1 more transcripts); c.35A>T, p.Gln12Leu (NM_001324012.1, NM_001324013.1); c.1297-13302A>T (NM_001323986.2); c.187-13302A>T (NM_001324011.1); c.-60-13302A>T (NM_001324010.1); c.1388A>T, p.Gln463Leu (NM_001290307.3, NM_001323982.2, NM_001323983.1 and 2 more transcripts); c.1079A>T, p.Gln360Leu (NM_001290309.3); and 1 more; short protein forms Q12L, Q340L, Q360L, Q463L, Q93L.
Identifiers: ClinVar variation 1716480 (VCV001716480.5), dbSNP rs2533354858, ClinGen allele CA361136057.
Genomic context (GRCh38, chr5:138,904,440, plus strand): 5'-ATGAAGAAGGTGTAAAGCTTGTTCGAATGTCTGCAAGCCAGTTAGAAGCCCTCTGTCCTC[A>T]GGTAAAGTACAACTGACACTGGTGACAGCATAACCAAATTAAATTTTGATTCAAGTGGAG-3'
Protein context (NP_001894.2, residues 453-473): SASQLEALCP[Gln463Leu]VINAALALAA

ClinVar aggregate classification (germline): Uncertain significance (1 of 4 stars; one submission).

Submission:

Labcorp Genetics (formerly Invitae), Labcorp
Classification: Uncertain significance. Last evaluated: 2022-08-16. Review status: criteria provided, single submitter. Criteria: Invitae Variant Classification Sherloc (09022015). Collection method: clinical testing. Allele origin: germline.
Comment: This variant has not been reported in the literature in individuals affected with CTNNA1-related conditions. This variant is not present in population databases (gnomAD no frequency). This sequence change replaces glutamine, which is neutral and polar, with leucine, which is neutral and non-polar, at codon 463 of the CTNNA1 protein (p.Gln463Leu). Algorithms developed to predict the effect of missense changes on protein structure and function are either unavailable or do not agree on the potential impact of this missense change (SIFT: "Deleterious"; PolyPhen-2: "Probably Damaging"; Align-GVGD: "Class C0"). In summary, the available evidence is currently insufficient to determine the role of this variant in disease. Therefore, it has been classified as a Variant of Uncertain Significance.